The following is an entry in ClinVar:

ClinVar aggregate classification (germline): Uncertain significance (1 of 4 stars; one submission).

Submission:

Labcorp Genetics (formerly Invitae), Labcorp
Classification: Uncertain significance. Last evaluated: 2025-03-13. Review status: criteria provided, single submitter. Criteria: Invitae Variant Classification Sherloc (09022015). Collection method: clinical testing. Allele origin: germline.
Comment: This sequence change replaces alanine, which is neutral and non-polar, with asparagine, which is neutral and polar, at codon 787 of the WFS1 protein (p.Ala787Asn). The frequency data for this variant in the population databases is considered unreliable, as metrics indicate poor data quality at this position in the gnomAD database. This variant has not been reported in the literature in individuals affected with WFS1-related conditions. ClinVar contains an entry for this variant (Variation ID: 3018264). An algorithm developed to predict the effect of missense changes on protein structure and function (PolyPhen-2) suggests that this variant is likely to be tolerated. In summary, the available evidence is currently insufficient to determine the role of this variant in disease. Therefore, it has been classified as a Variant of Uncertain Significance.

NM_006005.3(WFS1):c.2359_2360delinsAA (p.Ala787Asn)

Gene: WFS1 (wolframin ER transmembrane glycoprotein; plus strand). Cytogenetic location: 4p16.1.
Variant type: Indel.
Coding change: c.2359_2360delinsAA on transcript NM_006005.3 (MANE Select); coding-DNA positions 2359 to 2360, GC replaced by AA.
Protein change: p.Ala787Asn; replaces alanine 787 with asparagine.
Molecular consequence: missense variant.
Genome position (GRCh38, 1-based): chr4:6,302,154-6,302,155, GC replaced by AA. VCF-style: chr4-6302154-GC-AA. GRCh37 (hg19) VCF-style: chr4-6303881-GC-AA.
Other names: c.2359_2360delinsAA, p.Ala787Asn (NM_001145853.1); short protein forms A787N.
Identifiers: ClinVar variation 3018264 (VCV003018264.3), dbSNP rs1553878984, ClinGen allele CA323327.